The following is an entry in ClinVar:

ClinVar aggregate classification (germline): Pathogenic/Likely pathogenic. Review status: criteria provided, multiple submitters, no conflicts (2 of 4 stars). 6 submissions from 6 submitters: Pathogenic (5); Likely pathogenic (1). Last evaluated 2025-05-08.

Conditions:
Pretibial dystrophic epidermolysis bullosa. Also called: Pretibial blistering; Pretibial epidermolysis bullosa; EPIDERMOLYSIS BULLOSA DYSTROPHICA, PRETIBIAL. Identifiers: Orphanet 79410, MedGen C0432321, MONDO:0007552, OMIM 131850, HP:0012221.
Recessive dystrophic epidermolysis bullosa (RDEB). Also called: DYSTROPHIC EPIDERMOLYSIS BULLOSA, AUTOSOMAL RECESSIVE; EPIDERMOLYSIS BULLOSA DYSTROPHICA, HALLOPEAU-SIEMENS TYPE; EPIDERMOLYSIS BULLOSA DYSTROPHICA, GENERALIZED SEVERE, AUTOSOMAL RECESSIVE; severe generalized recessive dystrophic epidermolysis bullosa; epidermolysis bullosa dystrophica, autosomal recessive; Recessive DEB (RDEB). Identifiers: Orphanet 79408, Orphanet 79409, MedGen C0079474, MONDO:0009179, OMIM 226600.

Allele frequency attached by ClinVar (database versions not stated): gnomAD exomes 0.00001; ExAC 0.00002.

Submissions (6):

Women's Health and Genetics/Laboratory Corporation of America, LabCorp
Classification: Pathogenic for Dystrophic Epidermolysis Bullosa, Recessive. Last evaluated: 2025-05-08. Review status: criteria provided, single submitter. Criteria: LabCorp Variant Classification Summary - May 2015. Collection method: clinical testing. Allele origin: germline.
Comment: Variant summary: COL7A1 c.4448G>A (p.Gly1483Asp) results in a non-conservative amino acid change in the encoded protein sequence. Algorithms developed to predict the effect of missense changes on protein structure and function all suggest that this variant is likely to be disruptive. The variant allele was found at a frequency of 1.2e-05 in 250452 control chromosomes (gnomAD). c.4448G>A has been observed in several homozygous individuals affected with Dystrophic Epidermolysis Bullosa, Recessive, as well as in at least one mildly affected heterozygous individual (e.g, Almaani_2011). These data indicate that the variant is very likely to be associated with disease. The following publication has been ascertained in the context of this evaluation (PMID: 21448560). ClinVar contains an entry for this variant (Variation ID: 279788). Based on the evidence outlined above, the variant was classified as pathogenic.

Genomic Medicine Center of Excellence, King Faisal Specialist Hospital and Research Centre
Classification: Likely pathogenic for Recessive dystrophic epidermolysis bullosa. Last evaluated: 2024-03-29. Review status: criteria provided, single submitter. Criteria: ACMG Guidelines, 2015. Collection method: clinical testing. Allele origin: germline.

3billion
Classification: Pathogenic for Pretibial dystrophic epidermolysis bullosa. Last evaluated: 2023-07-19. Review status: criteria provided, single submitter. Criteria: ACMG Guidelines, 2015. Collection method: clinical testing. Allele origin: germline. Affected: yes.
Comment: The variant is observed at an extremely low frequency in the gnomAD v2.1.1 dataset (total allele frequency: 0.001%). Predicted Consequence/Location: Missense variant In silico tool predictions suggest damaging effect of the variant on gene or gene product (REVEL: 0.82; 3Cnet: 0.95). Same nucleotide change resulting in same amino acid change has been previously reported as pathogenic/likely pathogenic with strong evidence (ClinVar ID: VCV000279788 /PMID: 19197535). The variant has been reported to be in trans with a pathogenic variant as either compound heterozygous or homozygous in at least one similarly affected unrelated individual (PMID: 21448560, 35222512). The variant has been reported to co-segregate with the disease in at least one similarly affected relative/individual in the same family or similarly affected unrelated family (PMID: 21448560). Therefore, this variant is classified as Pathogenic according to the recommendation of ACMG/AMP guideline.

Revvity Omics, Revvity
Classification: Pathogenic. Last evaluated: 2021-03-15. Review status: criteria provided, single submitter. Criteria: ACMG Guidelines, 2015. Collection method: clinical testing. Allele origin: germline.

GeneDx
Classification: Pathogenic. Last evaluated: 2016-06-06. Review status: criteria provided, single submitter. Criteria: GeneDx Variant Classification (06012015). Collection method: clinical testing. Allele origin: germline. Affected: yes.
Comment: The G1483D variant in the COL7A1 gene has been reported previously as a pathogenic variant (Almaani et al. 2009). However, the G1483D variant was also reported in the homozygous state in three Kuwati children from two unrelated families. These affected individuals exhibited skin fragility with generalized recurrent blistering, nail dystrophy, and oral ulcers. All four heterozygous parents were clinically unaffected (Almaani et al. 2011). The G1483D variant was not observed in approximately 6500 individuals of European and African American ancestry in the NHLBI Exome Sequencing Project, indicating it is not a common benign variant in these populations. The G1483D variant is found in the highly conserved Gly-X-Y repeat in the collagenous domain of the colVII protein where it causes destabilization of the collagen triple helix. This substitution occurs at a position that is conserved across species, and in silico analysis predicts this mutation is probably damaging to the protein structure/function. We interpret COL7A1 as a pathogenic variant.

Pathology and Clinical Laboratory Medicine, King Fahad Medical City
Classification: Pathogenic for Recessive dystrophic epidermolysis bullosa. Review status: criteria provided, single submitter. Criteria: ACMG Guidelines, 2015. Collection method: clinical testing. Allele origin: germline. Affected: yes. Observed: 4 variant alleles.

Literature cited by the submitters: PubMed 21448560 (cited by Women's Health and Genetics/Laboratory Corporation of America, LabCorp and 3billion); PubMed 35222512 (cited by 3billion); PubMed 19197535 (cited by 3billion).

NM_000094.4(COL7A1):c.4448G>A (p.Gly1483Asp)

Gene: COL7A1 (collagen type VII alpha 1 chain; minus strand). Cytogenetic location: 3p21.31.
Variant type: single nucleotide variant.
Coding change: c.4448G>A on transcript NM_000094.4 (MANE Select); coding-DNA position 4448, G replaced by A.
Protein change: p.Gly1483Asp; replaces glycine 1483 with aspartic acid.
Molecular consequence: missense variant.
Genome position (GRCh38, 1-based): chr3:48,583,161, C>T on the plus strand (G>A on the coding strand, the complement: COL7A1 is on the minus strand). VCF-style: chr3-48583161-C-T. GRCh37 (hg19) VCF-style: chr3-48620594-C-T.
Other names: short protein forms G1483D.
Identifiers: ClinVar variation 279788 (VCV000279788.10), dbSNP rs756217590, ClinGen allele CA2380011.